The following is an entry in ClinVar:

ClinVar aggregate classification (germline): Pathogenic (1 of 4 stars; one submission).

Submission:

CeGaT Center for Human Genetics Tuebingen
Classification: Pathogenic. Last evaluated: 2023-04-01. Review status: criteria provided, single submitter. Criteria: CeGaT Center For Human Genetics Tuebingen Variant Classification Criteria Version 2. Collection method: clinical testing. Allele origin: germline. Affected: yes. Observed: 1 variant allele.
Comment: FGFR1: PVS1, PM2, PS2:Supporting

NM_023110.3(FGFR1):c.101G>A (p.Trp34Ter)

Gene: FGFR1 (fibroblast growth factor receptor 1; minus strand). Cytogenetic location: 8p11.23.
Variant type: single nucleotide variant.
Coding change: c.101G>A on transcript NM_023110.3 (MANE Select); coding-DNA position 101, G replaced by A.
Protein change: p.Trp34Ter; replaces tryptophan 34 with a stop codon.
Molecular consequence: nonsense. On other transcripts: intron variant (5).
Genome position (GRCh38, 1-based): chr8:38,429,939, C>T on the plus strand (G>A on the coding strand, the complement: FGFR1 is on the minus strand). VCF-style: chr8-38429939-C-T. GRCh37 (hg19) VCF-style: chr8-38287457-C-T.
Other names: c.101G>A, p.Trp34Ter (NM_000604.2, NM_001174063.2, NM_001174065.2 and 4 more transcripts); c.77G>A, p.Trp26Ter (NM_001174064.2); c.200G>A, p.Trp67Ter (NM_001174067.2); c.92-1504G>A (NM_001354368.2, NM_001354370.2, NM_023106.3 and 2 more transcripts); short protein forms W26*, W34*, W67*.
Identifiers: ClinVar variation 2571313 (VCV002571313.27), dbSNP rs2150967174, ClinGen allele CA370736649.